The following is an entry in ClinVar:

ClinVar aggregate classification (germline): Uncertain significance (1 of 4 stars; one submission).

Submission:

Labcorp Genetics (formerly Invitae), Labcorp
Classification: Uncertain significance. Last evaluated: 2025-02-03. Review status: criteria provided, single submitter. Criteria: Invitae Variant Classification Sherloc (09022015). Collection method: clinical testing. Allele origin: germline.
Comment: This sequence change replaces glutamic acid, which is acidic and polar, with aspartic acid, which is acidic and polar, at codon 354 of the GHSR protein (p.Glu354Asp). This variant is not present in population databases (gnomAD no frequency). This variant has not been reported in the literature in individuals affected with GHSR-related conditions. An algorithm developed to predict the effect of missense changes on protein structure and function outputs the following: PolyPhen-2: "Benign". The aspartic acid amino acid residue is found in multiple mammalian species, which suggests that this missense change does not adversely affect protein function. In summary, the available evidence is currently insufficient to determine the role of this variant in disease. Therefore, it has been classified as a Variant of Uncertain Significance.

NM_198407.2(GHSR):c.1062A>C (p.Glu354Asp)

Gene: GHSR (growth hormone secretagogue receptor; minus strand). Cytogenetic location: 3q26.31.
Variant type: single nucleotide variant.
Coding change: c.1062A>C on transcript NM_198407.2 (MANE Select); coding-DNA position 1062, A replaced by C.
Protein change: p.Glu354Asp; replaces glutamic acid 354 with aspartic acid.
Molecular consequence: missense variant.
Genome position (GRCh38, 1-based): chr3:172,445,200, T>G on the plus strand (A>C on the coding strand, the complement: GHSR is on the minus strand). VCF-style: chr3-172445200-T-G. GRCh37 (hg19) VCF-style: chr3-172162990-T-G.
Other names: short protein forms E354D.
Identifiers: ClinVar variation 4712227 (VCV004712227.1).